The following is an entry in ClinVar:

ClinVar aggregate classification (germline): Uncertain significance (1 of 4 stars; one submission).

gnomAD v4.1: 1 of 1,611,364 alleles (0.000062%); highest among the groups gnomAD compares: Non-Finnish European, 0.000085%; no homozygotes.

Submission:

GeneDx
Classification: Uncertain significance. Last evaluated: 2024-01-04. Review status: criteria provided, single submitter. Criteria: GeneDx Variant Classification Process June 2021. Collection method: clinical testing. Allele origin: germline. Affected: yes.
Comment: Not observed at significant frequency in large population cohorts (gnomAD); In silico analysis supports that this missense variant has a deleterious effect on protein structure/function; Has not been previously published as pathogenic or benign to our knowledge; This variant is associated with the following publications: (PMID: 22696272)

NM_000393.5(COL5A2):c.2798G>A (p.Gly933Glu)

Gene: COL5A2 (collagen type V alpha 2 chain; minus strand). Cytogenetic location: 2q32.2.
Variant type: single nucleotide variant.
Coding change: c.2798G>A on transcript NM_000393.5 (MANE Select); coding-DNA position 2798, G replaced by A.
Protein change: p.Gly933Glu; replaces glycine 933 with glutamic acid.
Molecular consequence: missense variant.
Genome position (GRCh38, 1-based): chr2:189,051,453, C>T on the plus strand (G>A on the coding strand, the complement: COL5A2 is on the minus strand). VCF-style: chr2-189051453-C-T. GRCh37 (hg19) VCF-style: chr2-189916179-C-T.
Other names: short protein forms G933E.
Identifiers: ClinVar variation 3367301 (VCV003367301.1).
Genomic context (GRCh38, chr2:189,051,453, plus strand): 5'-ACACGCCCATGAGAGCCAGGGTCCCCACGAAGACCTGGAGGTCCCTCCTTCCCGGGTTCC[C>T]CTAGGGGTCCCGCAGGTCCTGGAGCTCCCTAGTATAACAAAGAAAGAAACACCAAGGAGG-3'
Protein context (NP_000384.2, residues 923-943): AGAPGPAGPL[Gly933Glu]EPGKEGPPGL